The following is an entry in ClinVar:

ClinVar aggregate classification (germline): Likely benign (1 of 4 stars; one submission).

Conditions:
Congenital disorder of glycosylation (CDG). Also called: Carbohydrate-deficient glycoprotein syndrome; Congenital disorders of glycosylation. Identifiers: Orphanet 137, MedGen C0282577, MONDO:0015286.

Allele frequency attached by ClinVar (database versions not stated): gnomAD exomes 0.00086; gnomAD 0.01040 and 0.01126; 1000 Genomes Project 0.01118; 1000 Genomes Project 30x 0.01171; TOPMed 0.01183.
gnomAD v4.1: 2,702 of 1,375,936 alleles (0.2%); highest among the groups gnomAD compares: African/African-American, 3.5%; 45 homozygotes.

Submission:

Illumina Laboratory Services, Illumina
Classification: Likely benign for Congenital disorder of glycosylation. Last evaluated: 2018-01-12. Review status: criteria provided, single submitter. Criteria: ICSL Variant Classification Criteria 13 December 2019. Collection method: clinical testing. Allele origin: germline.
Comment: This variant was observed in the ICSL laboratory as part of a predisposition screen in an ostensibly healthy population. It had not been previously curated by ICSL or reported in the Human Gene Mutation Database (HGMD: prior to June 1st, 2018), and was therefore a candidate for classification through an automated scoring system. Utilizing variant allele frequency, disease prevalence and penetrance estimates, and inheritance mode, an automated score was calculated to assess if this variant is too frequent to cause the disease. Based on the score and internal cut-off values, a variant classified as likely benign is not then subjected to further curation. The score for this variant resulted in a classification of likely benign for this disease.

NM_006765.4(TUSC3):c.-91G>A

Gene: TUSC3 (tumor suppressor candidate 3; plus strand). Cytogenetic location: 8p22.
Variant type: single nucleotide variant.
Coding change: c.-91G>A on transcript NM_006765.4 (MANE Select); 91 bases upstream of the start codon, G replaced by A.
Molecular consequence: 5 prime UTR variant.
Genome position (GRCh38, 1-based): chr8:15,540,340, G>A. VCF-style: chr8-15540340-G-A. GRCh37 (hg19) VCF-style: chr8-15397849-G-A.
Other names: c.-91G>A (NM_001356429.2, NM_178234.2).
Identifiers: ClinVar variation 910998 (VCV000910998.4), dbSNP rs7012310, ClinGen allele CA172832695.
Genomic context (GRCh38, chr8:15,540,340, plus strand): 5'-CCTCGGCCGCGGCCCGGGTCCCTCGCAAAGCCGCTGCCATCCCGGAGGGCCCAGCCAGCG[G>A]GCTCCCGGAGGCTGGCCGGGCAGGCGTGGTGCGCGGTAGGAGCTGGGCGCGCACGGCTAC-3'